The following is an entry in ClinVar:

ClinVar aggregate classification (germline): Uncertain significance (1 of 4 stars; one submission).

Conditions:
Glycogen storage disease, type V (GSD5). Also called: MCARDLE DISEASE; MUSCLE GLYCOGEN PHOSPHORYLASE DEFICIENCY; MYOPHOSPHORYLASE DEFICIENCY; PYGM DEFICIENCY; McArdle type glycogen storage disease. Identifiers: Orphanet 368, MedGen C0017924, MONDO:0009293, OMIM 232600.

Submission:

Labcorp Genetics (formerly Invitae), Labcorp
Classification: Uncertain significance for Glycogen storage disease, type V. Last evaluated: 2025-04-07. Review status: criteria provided, single submitter. Criteria: Invitae Variant Classification Sherloc (09022015). Collection method: clinical testing. Allele origin: germline.
Comment: This sequence change replaces arginine, which is basic and polar, with proline, which is neutral and non-polar, at codon 576 of the PYGM protein (p.Arg576Pro). This variant is not present in population databases (gnomAD no frequency). This variant has not been reported in the literature in individuals affected with PYGM-related conditions. Invitae Evidence Modeling of protein sequence and biophysical properties (such as structural, functional, and spatial information, amino acid conservation, physicochemical variation, residue mobility, and thermodynamic stability) indicates that this missense variant is expected to disrupt PYGM protein function with a positive predictive value of 95%. In summary, the available evidence is currently insufficient to determine the role of this variant in disease. Therefore, it has been classified as a Variant of Uncertain Significance.

NM_005609.4(PYGM):c.1727G>C (p.Arg576Pro)

Gene: PYGM (glycogen phosphorylase, muscle associated; minus strand). Cytogenetic location: 11q13.1.
Variant type: single nucleotide variant.
Coding change: c.1727G>C on transcript NM_005609.4 (MANE Select); coding-DNA position 1727, G replaced by C.
Protein change: p.Arg576Pro; replaces arginine 576 with proline.
Molecular consequence: missense variant.
Genome position (GRCh38, 1-based): chr11:64,751,965, C>G on the plus strand (G>C on the coding strand, the complement: PYGM is on the minus strand). VCF-style: chr11-64751965-C-G. GRCh37 (hg19) VCF-style: chr11-64519437-C-G.
Other names: c.1463G>C, p.Arg488Pro (NM_001164716.1); short protein forms R576P, R488P.
Identifiers: ClinVar variation 4779763 (VCV004779763.1).